The following is an entry in ClinVar:

ClinVar aggregate classification (germline): Uncertain significance (1 of 4 stars; one submission).

Conditions:
Intellectual disability. Also called: Intellectual functioning disability; intellectual disabilities; Intellectual developmental disorder. Identifiers: MedGen C3714756, MeSH D008607, MONDO:0001071, HP:0001249.

Submission:

Labcorp Genetics (formerly Invitae), Labcorp
Classification: Uncertain significance for Intellectual disability. Last evaluated: 2022-08-16. Review status: criteria provided, single submitter. Criteria: Invitae Variant Classification Sherloc (09022015). Collection method: clinical testing. Allele origin: germline.
Comment: In summary, the available evidence is currently insufficient to determine the role of this variant in disease. Therefore, it has been classified as a Variant of Uncertain Significance. Advanced modeling of protein sequence and biophysical properties (such as structural, functional, and spatial information, amino acid conservation, physicochemical variation, residue mobility, and thermodynamic stability) performed at Invitae indicates that this missense variant is expected to disrupt GABRB2 protein function. This variant has not been reported in the literature in individuals affected with GABRB2-related conditions. This variant is not present in population databases (gnomAD no frequency). This sequence change replaces asparagine, which is neutral and polar, with serine, which is neutral and polar, at codon 124 of the GABRB2 protein (p.Asn124Ser).

NM_001371727.1(GABRB2):c.371A>G (p.Asn124Ser)

Gene: GABRB2 (gamma-aminobutyric acid type A receptor subunit beta2; minus strand). Cytogenetic location: 5q34.
Variant type: single nucleotide variant.
Coding change: c.371A>G on transcript NM_001371727.1 (MANE Select); coding-DNA position 371, A replaced by G.
Protein change: p.Asn124Ser; replaces asparagine 124 with serine.
Molecular consequence: missense variant.
Genome position (GRCh38, 1-based): chr5:161,459,711, T>C on the plus strand (A>G on the coding strand, the complement: GABRB2 is on the minus strand). VCF-style: chr5-161459711-T-C. GRCh37 (hg19) VCF-style: chr5-160886717-T-C.
Other names: c.371A>G, p.Asn124Ser (NM_000813.3, NM_021911.3); short protein forms N124S.
Identifiers: ClinVar variation 2086856 (VCV002086856.4), dbSNP rs2479999961, ClinGen allele CA362173884.
Genomic context (GRCh38, chr5:161,459,711, plus strand): 5'-GGATGCAGGCGAATCATGCGGTTCTTAACAGTCACTCCGTGCACAAATGACTTCTTATCG[T>C]TCAGGAAATAGGTATCAGGCACCCAGAGCTGGTCTGCCACTCTGTTGTCCAGAGTCAAGT-3'
Protein context (NP_001358656.1, residues 114-134): QLWVPDTYFL[Asn124Ser]DKKSFVHGVT